The following is an entry in ClinVar:

NM_001605.3(AARS1):c.2792G>T (p.Gly931Val)

Gene: AARS1 (alanyl-tRNA synthetase 1; minus strand). Cytogenetic location: 16q22.1.
Variant type: single nucleotide variant.
Coding change: c.2792G>T on transcript NM_001605.3 (MANE Select); coding-DNA position 2792, G replaced by T.
Protein change: p.Gly931Val; replaces glycine 931 with valine.
Molecular consequence: missense variant.
Genome position (GRCh38, 1-based): chr16:70,252,836, C>A on the plus strand (G>T on the coding strand, the complement: AARS1 is on the minus strand). VCF-style: chr16-70252836-C-A. GRCh37 (hg19) VCF-style: chr16-70286739-C-A.
Other names: short protein forms G931V.
Identifiers: ClinVar variation 3719406 (VCV003719406.2).

ClinVar aggregate classification (germline): Uncertain significance (1 of 4 stars; one submission).

Conditions:
Charcot-Marie-Tooth disease type 2. Also called: Charcot-Marie-Tooth type 2. Identifiers: Orphanet 64746, MedGen C0270914, MONDO:0018993.

gnomAD v4.1: 1 of 1,614,194 alleles (0.000062%); highest among the groups gnomAD compares: South Asian, 0.0011%; no homozygotes.

Submission:

Labcorp Genetics (formerly Invitae), Labcorp
Classification: Uncertain significance for Charcot-Marie-Tooth disease type 2. Last evaluated: 2025-01-28. Review status: criteria provided, single submitter. Criteria: Invitae Variant Classification Sherloc (09022015). Collection method: clinical testing. Allele origin: germline.
Comment: This sequence change replaces glycine, which is neutral and non-polar, with valine, which is neutral and non-polar, at codon 931 of the AARS protein (p.Gly931Val). This variant is not present in population databases (gnomAD no frequency). This variant has not been reported in the literature in individuals affected with AARS-related conditions. Invitae Evidence Modeling of protein sequence and biophysical properties (such as structural, functional, and spatial information, amino acid conservation, physicochemical variation, residue mobility, and thermodynamic stability) indicates that this missense variant is not expected to disrupt AARS protein function with a negative predictive value of 80%. In summary, the available evidence is currently insufficient to determine the role of this variant in disease. Therefore, it has been classified as a Variant of Uncertain Significance.